The following is an entry in ClinVar:

NM_033225.6(CSMD1):c.3946A>C (p.Ile1316Leu)

Gene: CSMD1 (CUB and Sushi multiple domains 1; minus strand). Cytogenetic location: 8p23.2.
Variant type: single nucleotide variant.
Coding change: c.3946A>C on transcript NM_033225.6 (MANE Select); coding-DNA position 3946, A replaced by C.
Protein change: p.Ile1316Leu; replaces isoleucine 1316 with leucine.
Molecular consequence: missense variant.
Genome position (GRCh38, 1-based): chr8:3,307,699, T>G on the plus strand (A>C on the coding strand, the complement: CSMD1 is on the minus strand). VCF-style: chr8-3307699-T-G. GRCh37 (hg19) VCF-style: chr8-3165221-T-G.
Other names: short protein forms I1316L.
Identifiers: ClinVar variation 2284812 (VCV002284812.4), dbSNP rs753593388, ClinGen allele CA4607574.
Genomic context (GRCh38, chr8:3,307,699, plus strand): 5'-AGAATAGAAGGCATATCTCTTTTCTCAAATCACTGAAACCAAAATAAAACAAGTACCTAA[T>G]GGTCTTTCCTGGGTCTGCCTCTATAATCCAGGTGCAGTGGAGGTTGTTGTCATACGGAGC-3'
Protein context (NP_150094.5, residues 1306-1326): WIIEADPGKT[Ile1316Leu]SLHFIVFDTE

ClinVar aggregate classification (germline): Uncertain significance. Review status: criteria provided, single submitter (1 of 4 stars). 2 submissions from 2 submitters: Uncertain significance (1). 1 of the submissions does not count toward it. Last evaluated 2022-04-22.

Conditions:
CSMD1-related disorder. Also called: CSMD1-related condition.

Allele frequency attached by ClinVar (database versions not stated): ExAC 0.00002.
gnomAD v4.1: 1 of 1,613,062 alleles (0.000062%); highest among the groups gnomAD compares: Non-Finnish European, 0.000085%; no homozygotes.

Submissions (2):

Ambry Genetics
Classification: Uncertain significance. Last evaluated: 2022-04-22. Review status: criteria provided, single submitter. Criteria: Ambry Variant Classification Scheme 2023. Collection method: clinical testing. Allele origin: germline.

PreventionGenetics, part of Exact Sciences
Classification: Uncertain significance for CSMD1-related condition. Last evaluated: 2024-01-26. Review status: no assertion criteria provided. Collection method: clinical testing. Allele origin: germline. Not counted in ClinVar's aggregate classification.
Comment: The CSMD1 c.3946A>C variant is predicted to result in the amino acid substitution p.Ile1316Leu. To our knowledge, this variant has not been reported in the literature. This variant is reported in 0.0018% of alleles in individuals of European (Non-Finnish) descent in gnomAD. At this time, the clinical significance of this variant is uncertain due to the absence of conclusive functional and genetic evidence.